The following is an entry in ClinVar:

NM_015978.3(TNNI3K):c.569G>A (p.Gly190Asp)

Genes: FPGT-TNNI3K (FPGT-TNNI3K readthrough; plus strand), TNNI3K (TNNI3 interacting kinase; plus strand). Cytogenetic location: 1p31.1.
Variant type: single nucleotide variant.
Coding change: c.569G>A on transcript NM_015978.3 (MANE Select); coding-DNA position 569, G replaced by A.
Protein change: p.Gly190Asp; replaces glycine 190 with aspartic acid.
Molecular consequence: missense variant.
Genome position (GRCh38, 1-based): chr1:74,336,036, G>A. VCF-style: chr1-74336036-G-A. GRCh37 (hg19) VCF-style: chr1-74801720-G-A.
Other names: c.872G>A, p.Gly291Asp (NM_001112808.3, NM_001199327.2); short protein forms G291D, G190D.
Identifiers: ClinVar variation 3003379 (VCV003003379.3), dbSNP rs1212449805, ClinGen allele CA340780223.
Genomic context (GRCh38, chr1:74,336,036, plus strand): 5'-TTTTTATACTGATTTCAAATGAATAAATCCTTTAGGTAACTCGCCTTCTTTTGAAATTTG[G>A]TGCTGATGTAAATGTAAGTGGTGAAGTTGGAGATAGACCCCTCCACCTAGCATCTGCAAA-3'
Protein context (NP_057062.1, residues 180-200): EQVTRLLLKF[Gly190Asp]ADVNVSGEVG

ClinVar aggregate classification (germline): Uncertain significance (1 of 4 stars; one submission).

Allele frequency attached by ClinVar (database versions not stated): gnomAD exomes below 0.00001.

Submission:

Labcorp Genetics (formerly Invitae), Labcorp
Classification: Uncertain significance. Last evaluated: 2025-07-06. Review status: criteria provided, single submitter. Criteria: Invitae Variant Classification Sherloc (09022015). Collection method: clinical testing. Allele origin: germline.
Comment: This sequence change replaces glycine, which is neutral and non-polar, with aspartic acid, which is acidic and polar, at codon 190 of the TNNI3K protein (p.Gly190Asp). This variant is present in population databases (no rsID available, gnomAD 0.01%). This variant has not been reported in the literature in individuals affected with TNNI3K-related conditions. ClinVar contains an entry for this variant (Variation ID: 3003379). Invitae Evidence Modeling of protein sequence and biophysical properties (such as structural, functional, and spatial information, amino acid conservation, physicochemical variation, residue mobility, and thermodynamic stability) indicates that this missense variant is not expected to disrupt TNNI3K protein function with a negative predictive value of 80%. In summary, the available evidence is currently insufficient to determine the role of this variant in disease. Therefore, it has been classified as a Variant of Uncertain Significance.